The following is an entry in ClinVar:

NM_001128159.3(VPS53):c.664G>A (p.Ala222Thr)

Gene: VPS53 (VPS53 subunit of GARP complex; minus strand). Cytogenetic location: 17p13.3.
Variant type: single nucleotide variant.
Coding change: c.664G>A on transcript NM_001128159.3 (MANE Select); coding-DNA position 664, G replaced by A.
Protein change: p.Ala222Thr; replaces alanine 222 with threonine.
Molecular consequence: missense variant.
Genome position (GRCh38, 1-based): chr17:631,573, C>T on the plus strand (G>A on the coding strand, the complement: VPS53 is on the minus strand). VCF-style: chr17-631573-C-T. GRCh37 (hg19) VCF-style: chr17-534813-C-T.
Other names: c.664G>A, p.Ala222Thr (NM_001366253.2); c.70G>A, p.Ala24Thr (NM_001366254.2); c.577G>A, p.Ala193Thr (NM_018289.4); short protein forms A193T, A222T, A24T.
Identifiers: ClinVar variation 1307991 (VCV001307991.4), dbSNP rs144345391, ClinGen allele CA8261676.

ClinVar aggregate classification (germline): Uncertain significance. Review status: criteria provided, multiple submitters, no conflicts (2 of 4 stars). 2 submissions from 2 submitters: Uncertain significance (2). Last evaluated 2021-07-20.

Conditions:
Inborn genetic diseases. Identifiers: MedGen C0950123, MeSH D030342.

Allele frequency attached by ClinVar (database versions not stated): gnomAD exomes 0.00001 and 0.00002; ExAC 0.00002; gnomAD 0.00005; TOPMed 0.00009; ESP Exome Variant Server 0.00015.
gnomAD v4.1: 21 of 1,613,946 alleles (0.0013%); highest among the groups gnomAD compares: African/African-American, 0.021%; no homozygotes.

Submissions (2):

Ambry Genetics
Classification: Uncertain significance for Inborn genetic diseases. Last evaluated: 2021-07-20. Review status: criteria provided, single submitter. Criteria: Ambry Variant Classification Scheme 2023. Collection method: clinical testing. Allele origin: germline.

GeneDx
Classification: Uncertain significance. Last evaluated: 2019-08-20. Review status: criteria provided, single submitter. Criteria: GeneDx Variant Classification Process June 2021. Collection method: clinical testing. Allele origin: germline. Affected: yes.
Comment: Not observed at a significant frequency in large population cohorts (Lek et al., 2016); In silico analysis, which includes protein predictors and evolutionary conservation, supports a deleterious effect; Has not been previously published as pathogenic or benign to our knowledge